The following is an entry in ClinVar:

NM_000051.4(ATM):c.2466+2T>A

Gene: ATM (ATM serine/threonine kinase; plus strand). Cytogenetic location: 11q22.3.
Variant type: single nucleotide variant.
Coding change: c.2466+2T>A on transcript NM_000051.4 (MANE Select); the canonical splice donor site of the intron after coding-DNA position 2466, T replaced by A.
Molecular consequence: splice donor variant.
Genome position (GRCh38, 1-based): chr11:108,259,077, T>A. VCF-style: chr11-108259077-T-A. GRCh37 (hg19) VCF-style: chr11-108129804-T-A.
Other names: c.2466+2T>A (NM_001351834.2).
Identifiers: ClinVar variation 236690 (VCV000236690.7), dbSNP rs878853495, ClinGen allele CA10582805.

ClinVar aggregate classification (germline): Likely pathogenic. Review status: criteria provided, multiple submitters, no conflicts (2 of 4 stars). 2 submissions from 2 submitters: Likely pathogenic (2). Last evaluated 2015-12-06.

Conditions:
Ataxia-telangiectasia syndrome (AT). Also called: Ataxia telangiectasia (A-T); LOUIS-BAR SYNDROME; Cerebello-oculocutaneous telangiectasia; Immunodeficiency with ataxia telangiectasia; ATAXIA-TELANGIECTASIA, COMPLEMENTATION GROUP A; ATAXIA-TELANGIECTASIA, FRESNO VARIANT. Identifiers: Orphanet 100, MedGen C0004135, MONDO:0008840, OMIM 208900.

Submissions (2):

Labcorp Genetics (formerly Invitae), Labcorp
Classification: Likely pathogenic for Ataxia-telangiectasia syndrome. Last evaluated: 2015-12-06. Review status: criteria provided, single submitter. Criteria: Invitae Variant Classification Sherloc (09022015). Collection method: clinical testing. Allele origin: germline.
Comment: This variant has not been reported in the literature. Truncating variants in ATM are known to be pathogenic (PMID: 10817650, 19781682), and donor splice site variants are typically pathogenic (PMID: 16199547). In the absence of supporting functional or genetic data, this variant has been classified as Likely Pathogenic. This sequence change affects a donor splice site in intron 16. It is expected to disrupt mRNA splicing and likely results in an absent or disrupted protein product.

Neuberg Centre For Genomic Medicine, NCGM
Classification: Likely pathogenic for Ataxia-telangiectasia syndrome. Review status: criteria provided, single submitter. Criteria: ACMG Guidelines, 2015. Collection method: clinical testing. Allele origin: germline. Inheritance: Autosomal recessive inheritance. Affected: yes.
Comment: The splice donor variant c.2466+2T>A in ATM (NM_000051.4) has been reported to ClinVar as Likely Pathogenic. It has not been reported previously in affected individuals. The c.2466+2T>A variant is novel (not in any individuals) in gnomAD Exomes and is novel (not in any individuals) in 1000 Genomes. This variant affects an invariant splice site and hence is predicted to cause loss of function. Loss of function variants have been previously reported to be disease causing. For these reasons, this variant has been classified as Likely Pathogenic.

Literature cited by the submitters: PubMed 10817650 (cited by Labcorp Genetics (formerly Invitae), Labcorp); PubMed 19781682 (cited by Labcorp Genetics (formerly Invitae), Labcorp); PubMed 16199547 (cited by Labcorp Genetics (formerly Invitae), Labcorp).